The following is an entry in ClinVar:

NM_001083961.2(WDR62):c.2921C>T (p.Ser974Phe)

Gene: WDR62 (WD repeat domain 62; plus strand). Cytogenetic location: 19q13.12.
Variant type: single nucleotide variant.
Coding change: c.2921C>T on transcript NM_001083961.2 (MANE Select); coding-DNA position 2921, C replaced by T.
Protein change: p.Ser974Phe; replaces serine 974 with phenylalanine.
Molecular consequence: missense variant.
Genome position (GRCh38, 1-based): chr19:36,101,267, C>T. VCF-style: chr19-36101267-C-T. GRCh37 (hg19) VCF-style: chr19-36592169-C-T.
Other names: c.2921C>T, p.Ser974Phe (NM_173636.5); c.2921C>T (NM_001083961.1); short protein forms S974F.
Identifiers: ClinVar variation 1505049 (VCV001505049.7), dbSNP rs373450578, ClinGen allele CA9396100.

ClinVar aggregate classification (germline): Uncertain significance. Review status: criteria provided, multiple submitters, no conflicts (2 of 4 stars). 2 submissions from 2 submitters: Uncertain significance (2). Last evaluated 2024-05-08.

Conditions:
Inborn genetic diseases. Identifiers: MedGen C0950123, MeSH D030342.

Allele frequency attached by ClinVar (database versions not stated): ExAC 0.00002; gnomAD exomes 0.00002; gnomAD 0.00004; TOPMed 0.00004; ESP Exome Variant Server 0.00008.
gnomAD v4.1: 32 of 1,613,010 alleles (0.002%); highest among the groups gnomAD compares: Non-Finnish European, 0.0025%; no homozygotes.

Submissions (2):

Ambry Genetics
Classification: Uncertain significance for Inborn genetic diseases. Last evaluated: 2024-05-08. Review status: criteria provided, single submitter. Criteria: Ambry Variant Classification Scheme 2023. Collection method: clinical testing. Allele origin: germline.

Labcorp Genetics (formerly Invitae), Labcorp
Classification: Uncertain significance. Last evaluated: 2024-02-17. Review status: criteria provided, single submitter. Criteria: Invitae Variant Classification Sherloc (09022015). Collection method: clinical testing. Allele origin: germline.
Comment: This sequence change replaces serine, which is neutral and polar, with phenylalanine, which is neutral and non-polar, at codon 974 of the WDR62 protein (p.Ser974Phe). This variant is present in population databases (rs373450578, gnomAD 0.004%). This variant has not been reported in the literature in individuals affected with WDR62-related conditions. ClinVar contains an entry for this variant (Variation ID: 1505049). Advanced modeling of protein sequence and biophysical properties (such as structural, functional, and spatial information, amino acid conservation, physicochemical variation, residue mobility, and thermodynamic stability) performed at Invitae indicates that this missense variant is not expected to disrupt WDR62 protein function with a negative predictive value of 80%. In summary, the available evidence is currently insufficient to determine the role of this variant in disease. Therefore, it has been classified as a Variant of Uncertain Significance.